The following is an entry in ClinVar:

ClinVar aggregate classification (germline): Conflicting classifications of pathogenicity. Review status: criteria provided, conflicting classifications (1 of 4 stars). 2 submissions from 2 submitters: Uncertain significance (1); Likely benign (1). Last evaluated 2025-09-17.

Conditions:
Cardiovascular phenotype. Identifiers: MedGen CN230736.
Dilated cardiomyopathy 1DD (CMD1DD). Identifiers: Orphanet 154, MedGen C2750995, MONDO:0013168, OMIM 613172.

Allele frequency attached by ClinVar (database versions not stated): gnomAD exomes 0.00001; gnomAD 0.00002; TOPMed 0.00002; ExAC 0.00005.
gnomAD v4.1: 29 of 1,551,674 alleles (0.0019%); highest among the groups gnomAD compares: East Asian, 0.0024%; no homozygotes.

Submissions (2):

Labcorp Genetics (formerly Invitae), Labcorp
Classification: Likely benign for Dilated cardiomyopathy 1DD. Last evaluated: 2025-09-17. Review status: criteria provided, single submitter. Criteria: Invitae Variant Classification Sherloc (09022015). Collection method: clinical testing. Allele origin: germline.

Ambry Genetics
Classification: Uncertain significance for Cardiovascular phenotype. Last evaluated: 2024-11-14. Review status: criteria provided, single submitter. Criteria: Ambry Variant Classification Scheme 2023. Collection method: clinical testing. Allele origin: germline.
Comment: The p.R392Q variant (also known as c.1175G>A), located in coding exon 2 of the RBM20 gene, results from a G to A substitution at nucleotide position 1175. The arginine at codon 392 is replaced by glutamine, an amino acid with highly similar properties. This variant has been reported in an individual(s) in a dilated cardiomyopathy (DCM) cohort, but clinical details were limited (van den Hoogenhof MMG et al. Circulation, 2018 Sep;138:1330-1342; van Lint FHM et al. Neth Heart J, 2019 Jun;27:304-309). This amino acid position is well conserved in available vertebrate species. In addition, this alteration is predicted to be tolerated by in silico analysis. Based on the available evidence, the clinical significance of this variant remains unclear.

Literature cited by the submitters: PubMed 29650543 (cited by Ambry Genetics); PubMed 30847666 (cited by Ambry Genetics).

NM_001134363.3(RBM20):c.1175G>A (p.Arg392Gln)

Gene: RBM20 (RNA binding motif protein 20; plus strand). Cytogenetic location: 10q25.2.
Variant type: single nucleotide variant.
Coding change: c.1175G>A on transcript NM_001134363.3 (MANE Select); coding-DNA position 1175, G replaced by A.
Protein change: p.Arg392Gln; replaces arginine 392 with glutamine.
Molecular consequence: missense variant.
Genome position (GRCh38, 1-based): chr10:110,781,784, G>A. VCF-style: chr10-110781784-G-A. GRCh37 (hg19) VCF-style: chr10-112541542-G-A.
Other names: c.1175G>A (NM_001134363.1); short protein forms R392Q.
Identifiers: ClinVar variation 1000712 (VCV001000712.9), dbSNP rs751788298, ClinGen allele CA5688565.